The following is an entry in ClinVar:

ClinVar aggregate classification (germline): Uncertain significance. Review status: criteria provided, multiple submitters, no conflicts (2 of 4 stars). 2 submissions from 2 submitters: Uncertain significance (2). Last evaluated 2022-11-07.

Conditions:
Intellectual developmental disorder, X-linked 1. Also called: Atkin Flaitz Patil Smith syndrome; Intellectual disability, X-linked 1; MENTAL RETARDATION, X-LINKED 18; MENTAL RETARDATION, X-LINKED 78. Identifiers: Orphanet 777, MedGen C2931498, MONDO:0010656, OMIM 309530.

gnomAD v4.1: 1 of 1,164,919 alleles (0.000086%); highest among the groups gnomAD compares: Non-Finnish European, 0.00011%; no homozygotes.

Submissions (2):

GeneDx
Classification: Uncertain significance. Last evaluated: 2022-11-07. Review status: criteria provided, single submitter. Criteria: GeneDx Variant Classification Process June 2021. Collection method: clinical testing. Allele origin: germline. Affected: yes.
Comment: Not observed at significant frequency in large population cohorts (gnomAD); In silico analysis supports that this missense variant does not alter protein structure/function; Has not been previously published as pathogenic or benign to our knowledge

Labcorp Genetics (formerly Invitae), Labcorp
Classification: Uncertain significance for Intellectual developmental disorder, X-linked 1. Last evaluated: 2020-06-29. Review status: criteria provided, single submitter. Criteria: Invitae Variant Classification Sherloc (09022015). Collection method: clinical testing. Allele origin: germline.
Comment: Algorithms developed to predict the effect of missense changes on protein structure and function are either unavailable or do not agree on the potential impact of this missense change (SIFT: "Tolerated"; PolyPhen-2: "Possibly Damaging"; Align-GVGD: "Class C0"). In summary, the available evidence is currently insufficient to determine the role of this variant in disease. Therefore, it has been classified as a Variant of Uncertain Significance. This sequence change replaces arginine with histidine at codon 85 of the IQSEC2 protein (p.Arg85His). The arginine residue is weakly conserved and there is a small physicochemical difference between arginine and histidine. The frequency data for this variant in the population databases is considered unreliable, as metrics indicate insufficient coverage at this position in the ExAC database. This variant has not been reported in the literature in individuals with IQSEC2-related conditions.

NM_001111125.3(IQSEC2):c.254G>A (p.Arg85His)

Gene: IQSEC2 (IQ motif and Sec7 domain ArfGEF 2; minus strand). Cytogenetic location: Xp11.22.
Variant type: single nucleotide variant.
Coding change: c.254G>A on transcript NM_001111125.3 (MANE Select); coding-DNA position 254, G replaced by A.
Protein change: p.Arg85His; replaces arginine 85 with histidine.
Molecular consequence: missense variant.
Genome position (GRCh38, 1-based): chrX:53,320,870, C>T on the plus strand (G>A on the coding strand, the complement: IQSEC2 is on the minus strand). VCF-style: chrX-53320870-C-T. GRCh37 (hg19) VCF-style: chrX-53350068-C-T.
Other names: c.254G>A (NM_001111125.1); short protein forms R85H.
Identifiers: ClinVar variation 1051069 (VCV001051069.9), dbSNP rs1556880243, ClinGen allele CA413239764.